The following is an entry in ClinVar:

ClinVar aggregate classification (germline): Conflicting classifications of pathogenicity. Review status: criteria provided, conflicting classifications (1 of 4 stars). 2 submissions from 2 submitters: Uncertain significance (1); Benign (1). Last evaluated 2025-12-02.

Conditions:
Primary ciliary dyskinesia. Also called: Ciliary dyskinesia. Identifiers: Orphanet 244, MedGen C0008780, MONDO:0016575, HP:0012265.

Allele frequency attached by ClinVar (database versions not stated): gnomAD 0.00001; TOPMed 0.00002; 1000 Genomes Project 30x 0.00016; 1000 Genomes Project 0.00020.
gnomAD v4.1: 20 of 1,613,758 alleles (0.0012%); highest among the groups gnomAD compares: East Asian, 0.0022%; no homozygotes.

Submissions (2):

Labcorp Genetics (formerly Invitae), Labcorp
Classification: Benign for Primary ciliary dyskinesia. Last evaluated: 2025-12-02. Review status: criteria provided, single submitter. Criteria: Invitae Variant Classification Sherloc (09022015). Collection method: clinical testing. Allele origin: germline.

Ambry Genetics
Classification: Uncertain significance for Primary ciliary dyskinesia. Last evaluated: 2015-08-25. Review status: criteria provided, single submitter. Criteria: Ambry Variant Classification Scheme 2023. Collection method: clinical testing. Allele origin: germline.
Comment: The p.E814K variant (also known as c.2440G>A), located in coding exon 14 of the DNAH11 gene, results from a G to A substitution at nucleotide position 2440. The glutamic acid at codon 814 is replaced by lysine, an amino acid with similar properties. This variant was not reported in population based cohorts in the following databases: Database of Single Nucleotide Polymorphisms (dbSNP), NHLBI Exome Sequencing Project (ESP), and 1000 Genomes Project. In the ESP, this variant was not observed in 6309 samples (12618 alleles) with coverage at this position. This amino acid position is poorly conserved in available vertebrate species. In addition, this alteration is predicted to be tolerated by in silico analysis. Since supporting evidence is limited at this time, the clinical significance of this variant remains unclear.

NM_001277115.2(DNAH11):c.2440G>A (p.Glu814Lys)

Gene: DNAH11 (dynein axonemal heavy chain 11; plus strand). Cytogenetic location: 7p15.3.
Variant type: single nucleotide variant.
Coding change: c.2440G>A on transcript NM_001277115.2 (MANE Select); coding-DNA position 2440, G replaced by A.
Protein change: p.Glu814Lys; replaces glutamic acid 814 with lysine.
Molecular consequence: missense variant.
Genome position (GRCh38, 1-based): chr7:21,591,350, G>A. VCF-style: chr7-21591350-G-A. GRCh37 (hg19) VCF-style: chr7-21630968-G-A.
Other names: short protein forms E814K.
Identifiers: ClinVar variation 525436 (VCV000525436.9), dbSNP rs529566924, ClinGen allele CA4179340.